The following is an entry in ClinVar:

NM_001267550.2(TTN):c.101809C>A (p.His33937Asn)

Genes: TTN-AS1 (TTN antisense RNA 1; plus strand), TTN (titin; minus strand). Cytogenetic location: 2q31.2.
Variant type: single nucleotide variant.
Coding change: c.101809C>A on transcript NM_001267550.2 (MANE Select); coding-DNA position 101809, C replaced by A.
Protein change: p.His33937Asn; replaces histidine 33937 with asparagine.
Molecular consequence: missense variant.
Genome position (GRCh38, 1-based): chr2:178,534,806, G>T on the plus strand (C>A on the coding strand, the complement: TTN is on the minus strand). VCF-style: chr2-178534806-G-T. GRCh37 (hg19) VCF-style: chr2-179399533-G-T.
Other names: c.96886C>A, p.His32296Asn (NM_001256850.1); c.74614C>A, p.His24872Asn (NM_003319.4); c.94105C>A, p.His31369Asn (NM_133378.4); c.74989C>A, p.His24997Asn (NM_133432.3); c.75190C>A, p.His25064Asn (NM_133437.4); short protein forms H25064N, H31369N, H24997N, H24872N, H32296N, H33937N.
Identifiers: ClinVar variation 1759022 (VCV001759022.7), dbSNP rs1690708183, ClinGen allele CA349419389.

ClinVar aggregate classification (germline): Uncertain significance. Review status: criteria provided, multiple submitters, no conflicts (2 of 4 stars). 2 submissions from 2 submitters: Uncertain significance (2). Last evaluated 2025-10-02.

Conditions:
Cardiovascular phenotype. Identifiers: MedGen CN230736.
Autosomal recessive limb-girdle muscular dystrophy type 2J (LGMDR10). Also called: Limb-girdle muscular dystrophy, type 2J; MUSCULAR DYSTROPHY, LIMB-GIRDLE, AUTOSOMAL RECESSIVE 10. Identifiers: Orphanet 140922, MedGen C1837342, MONDO:0012127, OMIM 608807.
Dilated cardiomyopathy 1G (CMD1G). Identifiers: Orphanet 154, MedGen C1858763, MONDO:0011400, OMIM 604145.

Allele frequency attached by ClinVar (database versions not stated): gnomAD exomes below 0.00001; TOPMed below 0.00001.
gnomAD v4.1: 2 of 1,611,498 alleles (0.00012%); highest among the groups gnomAD compares: Non-Finnish European, 0.00017%; no homozygotes.

Submissions (2):

Labcorp Genetics (formerly Invitae), Labcorp
Classification: Uncertain significance for Dilated cardiomyopathy 1G; Autosomal recessive limb-girdle muscular dystrophy type 2J. Last evaluated: 2025-10-02. Review status: criteria provided, single submitter. Criteria: Invitae Variant Classification Sherloc (09022015). Collection method: clinical testing. Allele origin: germline.
Comment: This sequence change replaces histidine, which is basic and polar, with asparagine, which is neutral and polar, at codon 33937 of the TTN protein (p.His33937Asn). This variant is not present in population databases (gnomAD no frequency). This variant has not been reported in the literature in individuals affected with TTN-related conditions. ClinVar contains an entry for this variant (Variation ID: 1759022). An algorithm developed to predict the effect of missense changes on protein structure and function outputs the following: PolyPhen-2: "Not Available". The asparagine amino acid residue is found in multiple mammalian species, which suggests that this missense change does not adversely affect protein function. This variant is located in the M band of TTN (PMID: 25589632). Non-truncating variants in this region may be relevant for neuromuscular disorders, but have not been definitively shown to cause cardiomyopathy (PMID: 23975875). In summary, the available evidence is currently insufficient to determine the role of this variant in disease. Therefore, it has been classified as a Variant of Uncertain Significance.

Ambry Genetics
Classification: Uncertain significance for Cardiovascular phenotype. Last evaluated: 2019-10-18. Review status: criteria provided, single submitter. Criteria: Ambry Variant Classification Scheme 2023. Collection method: clinical testing. Allele origin: germline.
Comment: The p.H24872N variant (also known as c.74614C>A), located in coding exon 185 of the TTN gene, results from a C to A substitution at nucleotide position 74614. The histidine at codon 24872 is replaced by asparagine, an amino acid with similar properties. This amino acid position is well conserved in available vertebrate species; however, asparagine is the reference amino acid in other vertebrate species. In addition, the in silico prediction for this alteration is inconclusive. Since supporting evidence is limited at this time, the clinical significance of this alteration remains unclear.

Literature cited by the submitters: PubMed 25589632 (cited by Labcorp Genetics (formerly Invitae), Labcorp); PubMed 23975875 (cited by Labcorp Genetics (formerly Invitae), Labcorp).